The following is an entry in ClinVar:

ClinVar aggregate classification (germline): Uncertain significance. Review status: criteria provided, multiple submitters, no conflicts (2 of 4 stars). 3 submissions from 3 submitters: Uncertain significance (3). Last evaluated 2024-10-07.

Conditions:
Inborn genetic diseases. Identifiers: MedGen C0950123, MeSH D030342.

Allele frequency attached by ClinVar (database versions not stated): ExAC 0.00001; 1000 Genomes Project 0.00040; gnomAD exomes 0.00001; gnomAD 0.00002; TOPMed 0.00005.
gnomAD v4.1: 18 of 1,614,204 alleles (0.0011%); highest among the groups gnomAD compares: Middle Eastern, 0.017%; no homozygotes.

Submissions (3):

Ambry Genetics
Classification: Uncertain significance for Inborn genetic diseases. Last evaluated: 2024-10-07. Review status: criteria provided, single submitter. Criteria: Ambry Variant Classification Scheme 2023. Collection method: clinical testing. Allele origin: germline.

GeneDx
Classification: Uncertain significance. Last evaluated: 2019-10-23. Review status: criteria provided, single submitter. Criteria: GeneDx Variant Classification Process June 2021. Collection method: clinical testing. Allele origin: germline. Affected: yes.
Comment: Not observed at a significant frequency in large population cohorts (Lek et al., 2016); In silico analysis, which includes protein predictors and evolutionary conservation, supports a deleterious effect; Has not been previously published as pathogenic or benign to our knowledge

Genetic Services Laboratory, University of Chicago
Classification: Uncertain significance. Last evaluated: 2015-06-17. Review status: criteria provided, single submitter. Criteria: ACMG Guidelines, 2015. Collection method: clinical testing. Allele origin: germline.

NM_001083961.2(WDR62):c.413G>A (p.Arg138His)

Gene: WDR62 (WD repeat domain 62; plus strand). Cytogenetic location: 19q13.12.
Variant type: single nucleotide variant.
Coding change: c.413G>A on transcript NM_001083961.2 (MANE Select); coding-DNA position 413, G replaced by A.
Protein change: p.Arg138His; replaces arginine 138 with histidine.
Molecular consequence: missense variant.
Genome position (GRCh38, 1-based): chr19:36,066,279, G>A. VCF-style: chr19-36066279-G-A. GRCh37 (hg19) VCF-style: chr19-36557181-G-A.
Other names: c.413G>A, p.Arg138His (NM_173636.5); short protein forms R138H.
Identifiers: ClinVar variation 212606 (VCV000212606.9), dbSNP rs199673795, ClinGen allele CA206053.
Genomic context (GRCh38, chr19:36,066,279, plus strand): 5'-ACAGAGCCCAGCAGCAGTAACGACCCCACCTTCCCTAGAATGGGCATAGGCCTGCTGTGC[G>A]CATCTGGGATGTGGAGGAGAAGAATCAGGTGGCGGAGATGCTAGGCCACAAGTATGGTGT-3'
Protein context (NP_001077430.1, residues 128-148): TGENGHRPAV[Arg138His]IWDVEEKNQV